The following is an entry in ClinVar:

ClinVar aggregate classification (germline): Uncertain significance (1 of 4 stars; one submission).

Allele frequency attached by ClinVar (database versions not stated): gnomAD exomes below 0.00001.
gnomAD v4.1: 1 of 1,608,450 alleles (0.000062%); highest among the groups gnomAD compares: Non-Finnish European, 0.000085%; no homozygotes.

Submission:

Women's Health and Genetics/Laboratory Corporation of America, LabCorp
Classification: Uncertain significance. Last evaluated: 2018-02-16. Review status: criteria provided, single submitter. Criteria: LabCorp Variant Classification Summary - May 2015. Collection method: clinical testing. Allele origin: germline.
Comment: Variant summary: BRIP1 c.104G>T (p.Gly35Val) results in a non-conservative amino acid change located in the Helicase superfamily 1/2, ATP-binding domain of the encoded protein sequence. Four of five in-silico tools predict a damaging effect of the variant on protein function. The variant allele was found at a frequency of 4.1e-06 in 246122 control chromosomes. The available data on variant occurrences in the general population are insufficient to allow any conclusion about variant significance. To our knowledge, no occurrence of c.104G>T in individuals affected with Hereditary Breast and Ovarian Cancer and no experimental evidence demonstrating its impact on protein function have been reported. No clinical diagnostic laboratories have submitted clinical-significance assessments for this variant to ClinVar after 2014. Based on the evidence outlined above, the variant was classified as uncertain significance.

NM_032043.3(BRIP1):c.104G>T (p.Gly35Val)

Gene: BRIP1 (BRCA1 interacting helicase 1; minus strand). Cytogenetic location: 17q23.2.
Variant type: single nucleotide variant.
Coding change: c.104G>T on transcript NM_032043.3 (MANE Select); coding-DNA position 104, G replaced by T.
Protein change: p.Gly35Val; replaces glycine 35 with valine.
Molecular consequence: missense variant.
Genome position (GRCh38, 1-based): chr17:61,859,897, C>A on the plus strand (G>T on the coding strand, the complement: BRIP1 is on the minus strand). VCF-style: chr17-61859897-C-A. GRCh37 (hg19) VCF-style: chr17-59937258-C-A.
Other names: short protein forms G35V.
Identifiers: ClinVar variation 632723 (VCV000632723.1), dbSNP rs876659168, ClinGen allele CA400485864.